The following is an entry in ClinVar:

ClinVar aggregate classification (germline): Benign/Likely benign. Review status: criteria provided, multiple submitters, no conflicts (2 of 4 stars). 9 submissions from 9 submitters: Benign (4); Likely benign (4). 1 of the submissions does not count toward it. Last evaluated 2025-04-25.

Conditions:
Polycystic kidney disease, adult type (PKD1). Also called: POLYCYSTIC KIDNEY DISEASE 1 WITH OR WITHOUT POLYCYSTIC LIVER DISEASE; Polycystic Kidney Disease 1, Autosomal Dominant; Polycystic kidney disease 1; Polycystic kidney disease 1, severe; Polycystic Kidney, Autosomal Dominant; POLYCYSTIC KIDNEY DISEASE, ADULT, TYPE I. Identifiers: MedGen C3149841, MONDO:0008263, OMIM 173900.
Polycystic kidney disease. Also called: Kidney, Polycystic; Polycystic kidney dysplasia. Identifiers: MedGen C0022680, MeSH D007690, MONDO:0020642, HP:0000113.

Allele frequency attached by ClinVar (database versions not stated): ESP Exome Variant Server 0.00208; TOPMed 0.00246; 1000 Genomes Project 30x 0.00109; 1000 Genomes Project 0.00120; gnomAD 0.00198.
gnomAD v4.1: 566 of 1,591,888 alleles (0.036%); highest among the groups gnomAD compares: African/African-American, 0.71%; 4 homozygotes.

Submissions (9):

Women's Health and Genetics/Laboratory Corporation of America, LabCorp
Classification: Benign. Last evaluated: 2025-04-25. Review status: criteria provided, single submitter. Criteria: LabCorp Variant Classification Summary - May 2015. Collection method: clinical testing. Allele origin: germline.
Comment: Variant summary: PKD1 c.10406-4C>T alters a nucleotide located at a position not widely known to affect splicing. Consensus agreement among computation tools predict no significant impact on normal splicing. However, these predictions have yet to be confirmed by functional studies. The variant allele was found at a frequency of 0.00047 in 211824 control chromosomes, predominantly at a frequency of 0.0072 within the African or African-American subpopulation in the gnomAD database. The observed variant frequency within African or African-American control individuals in the gnomAD database exceeds the estimated maximal expected allele frequency for a pathogenic variant in PKD1 causing PKD1-Biallelic Autosomal Recessive Polycystic Kidney Disease phenotype. To our knowledge, no occurrence of c.10406-4C>T in individuals affected with PKD1-Biallelic Autosomal Recessive Polycystic Kidney Disease and no experimental evidence demonstrating its impact on protein function have been reported. ClinVar contains an entry for this variant (Variation ID: 256890). Based on the evidence outlined above, the variant was classified as benign.

Mayo Clinic Laboratories, Mayo Clinic
Classification: Likely benign. Last evaluated: 2025-04-17. Review status: criteria provided, single submitter. Criteria: ACMG Guidelines, 2015. Collection method: clinical testing. Allele origin: germline. Observed: 1 variant allele.
Comment: BS1, BP4, BP7

Blueprint Genetics
Classification: Likely benign. Last evaluated: 2024-10-03. Review status: criteria provided, single submitter. Criteria: ACMG Guidelines, 2015. Collection method: clinical testing. Allele origin: germline.

CeGaT Center for Human Genetics Tuebingen
Classification: Likely benign. Last evaluated: 2022-12-01. Review status: criteria provided, single submitter. Criteria: CeGaT Center For Human Genetics Tuebingen Variant Classification Criteria Version 2. Collection method: clinical testing. Allele origin: germline. Affected: yes. Observed: 1 variant allele.
Comment: PKD1: BP4, BS2

Fulgent Genetics
Classification: Likely benign for Polycystic kidney disease, adult type. Last evaluated: 2021-08-13. Review status: criteria provided, single submitter. Criteria: ACMG Guidelines, 2015. Collection method: clinical testing. Allele origin: unknown.

Athena Diagnostics
Classification: Benign. Last evaluated: 2019-03-18. Review status: criteria provided, single submitter. Criteria: Athena Diagnostics Criteria. Collection method: clinical testing. Allele origin: germline.

ARUP Laboratories, Molecular Genetics and Genomics, ARUP Laboratories
Classification: Benign for Polycystic kidney disease, adult type. Last evaluated: 2018-12-24. Review status: criteria provided, single submitter. Criteria: ARUP Molecular Germline Variant Investigation Process. Collection method: clinical testing. Allele origin: germline.

PreventionGenetics, part of Exact Sciences
Classification: Benign. Review status: criteria provided, single submitter. Criteria: ACMG Guidelines, 2015. Collection method: clinical testing. Allele origin: germline.

Department of Pathology and Laboratory Medicine, Sinai Health System
Classification: Benign for Polycystic Kidney disease. Review status: no assertion criteria provided. Collection method: clinical testing. Allele origin: unknown. Affected: yes. Study: The Canadian Open Genetics Repository (COGR). Not counted in ClinVar's aggregate classification.
Comment: The PKD1 c.10406-4C>T variant was identified in 1 of 74 proband chromosomes (frequency: 0.01) from French individuals or families with ADPKD (Bataille 2011). The variant was also identified in dbSNP (ID: rs151095649) â€šÃ„ÃºWith Benign alleleâ€šÃ„Ã¹, ClinVar (classified benign by Prevention Genetics), and ADPKD Mutation Database (classified as likely neutral) databases. The variant was not identified in LOVD 3.0 and PKD1-LOVD databases. The variant was identified in control databases in 153 of 238026 chromosomes at a frequency of 0.0006 increasing the likelihood this could be a low frequency benign variant (Genome Aggregation Database Feb 27, 2017). The variant was observed in the following populations: African in 147 of 20668 chromosomes (freq: 0.007), Other in 1 of 5750 chromosomes (freq: 0.0002), Latino in 5 of 30522 chromosomes (freq: 0.0002), while not observed in the European Non-Finnish, Ashkenazi Jewish, East Asian, European Finnish, and South Asian populations. The c.10406-4C>T variant is located in the 3' splice region but does not affect the invariant -1 and -2 positions. However, positions -3 and -5 to -12 are part of the splicing consensus sequence and variants involving these positions sometimes affect splicing. In silico or computational prediction software programs (SpliceSiteFinder, MaxEntScan, NNSPLICE, GeneSplicer) do not predict a difference in splicing. In summary, based on the above information this variant meets our laboratory criteria to be classified as benign.

NM_001009944.3(PKD1):c.10406-4C>T

Gene: PKD1 (polycystin 1, transient receptor potential channel interacting; minus strand). Cytogenetic location: 16p13.3.
Variant type: single nucleotide variant.
Coding change: c.10406-4C>T on transcript NM_001009944.3 (MANE Select); 4 bases into the intron before coding-DNA position 10406, C replaced by T.
Molecular consequence: intron variant.
Genome position (GRCh38, 1-based): chr16:2,097,245, G>A on the plus strand (C>T on the coding strand, the complement: PKD1 is on the minus strand). VCF-style: chr16-2097245-G-A. GRCh37 (hg19) VCF-style: chr16-2147246-G-A.
Other names: p.?; c.10403-4C>T (NM_000296.4).
Identifiers: ClinVar variation 256890 (VCV000256890.41), dbSNP rs151095649, ClinGen allele CA7829590.
Genomic context (GRCh38, chr16:2,097,245, plus strand): 5'-GGGTAGGGGCTGGGCTGCTGACCCCCTCGGCAAGGACCTGCTGGATCAGGTCTTCATCTA[G>A]AGGTACAGGAGGCATAGGGTGGGCCCAGCTGCAAGGGTGAGCTTCAGAGCCCCCTCCTCT-3'